The following is an entry in ClinVar:

ClinVar aggregate classification (germline): Uncertain significance (1 of 4 stars; one submission).

Allele frequency attached by ClinVar (database versions not stated): TOPMed 0.00001.

Submission:

CeGaT Center for Human Genetics Tuebingen
Classification: Uncertain significance. Last evaluated: 2023-05-01. Review status: criteria provided, single submitter. Criteria: CeGaT Center For Human Genetics Tuebingen Variant Classification Criteria Version 2. Collection method: clinical testing. Allele origin: germline. Affected: yes. Observed: 1 variant allele.
Comment: COL5A1: PM2

NM_000093.5(COL5A1):c.3452C>G (p.Pro1151Arg)

Gene: COL5A1 (collagen type V alpha 1 chain; plus strand). Cytogenetic location: 9q34.3.
Variant type: single nucleotide variant.
Coding change: c.3452C>G on transcript NM_000093.5 (MANE Select); coding-DNA position 3452, C replaced by G.
Protein change: p.Pro1151Arg; replaces proline 1151 with arginine.
Molecular consequence: missense variant.
Genome position (GRCh38, 1-based): chr9:134,809,268, C>G. VCF-style: chr9-134809268-C-G. GRCh37 (hg19) VCF-style: chr9-137701114-C-G.
Other names: c.3452C>G, p.Pro1151Arg (NM_001278074.1); short protein forms P1151R.
Identifiers: ClinVar variation 2571345 (VCV002571345.27), dbSNP rs1161280233, ClinGen allele CA375453082.